The following is an entry in ClinVar:

NM_001267550.2(TTN):c.103351C>G (p.Leu34451Val)

Genes: TTN (titin; minus strand), TTN-AS1 (TTN antisense RNA 1; plus strand). Cytogenetic location: 2q31.2.
Variant type: single nucleotide variant.
Coding change: c.103351C>G on transcript NM_001267550.2 (MANE Select); coding-DNA position 103351, C replaced by G.
Protein change: p.Leu34451Val; replaces leucine 34451 with valine.
Molecular consequence: missense variant.
Genome position (GRCh38, 1-based): chr2:178,533,264, G>C on the plus strand (C>G on the coding strand, the complement: TTN is on the minus strand). VCF-style: chr2-178533264-G-C. GRCh37 (hg19) VCF-style: chr2-179397991-G-C.
Other names: c.98428C>G, p.Leu32810Val (NM_001256850.1); c.76156C>G, p.Leu25386Val (NM_003319.4); c.95647C>G, p.Leu31883Val (NM_133378.4); c.76531C>G, p.Leu25511Val (NM_133432.3); c.76732C>G, p.Leu25578Val (NM_133437.4); short protein forms L34451V, L31883V, L25511V, L32810V, L25386V, L25578V.
Identifiers: ClinVar variation 576997 (VCV000576997.7), dbSNP rs1559023612, ClinGen allele CA349414467.

ClinVar aggregate classification (germline): Uncertain significance (1 of 4 stars; one submission).

Conditions:
Autosomal recessive limb-girdle muscular dystrophy type 2J (LGMDR10). Also called: Limb-girdle muscular dystrophy, type 2J; MUSCULAR DYSTROPHY, LIMB-GIRDLE, AUTOSOMAL RECESSIVE 10. Identifiers: Orphanet 140922, MedGen C1837342, MONDO:0012127, OMIM 608807.
Dilated cardiomyopathy 1G (CMD1G). Identifiers: Orphanet 154, MedGen C1858763, MONDO:0011400, OMIM 604145.

Allele frequency attached by ClinVar (database versions not stated): gnomAD exomes below 0.00001.
gnomAD v4.1: 1 of 1,613,920 alleles (0.000062%); highest among the groups gnomAD compares: Non-Finnish European, 0.000085%; no homozygotes.

Submission:

Labcorp Genetics (formerly Invitae), Labcorp
Classification: Uncertain significance for Dilated cardiomyopathy 1G; Autosomal recessive limb-girdle muscular dystrophy type 2J. Last evaluated: 2024-06-18. Review status: criteria provided, single submitter. Criteria: Invitae Variant Classification Sherloc (09022015). Collection method: clinical testing. Allele origin: germline.
Comment: This sequence change replaces leucine, which is neutral and non-polar, with valine, which is neutral and non-polar, at codon 34451 of the TTN protein (p.Leu34451Val). This variant is not present in population databases (gnomAD no frequency). This variant has not been reported in the literature in individuals affected with TTN-related conditions. ClinVar contains an entry for this variant (Variation ID: 576997). Experimental studies and prediction algorithms are not available or were not evaluated, and the functional significance of this variant is currently unknown. This variant is located in the M band of TTN (PMID: 25589632). Non-truncating variants in this region may be relevant for neuromuscular disorders, but have not been definitively shown to cause cardiomyopathy (PMID: 23975875). In summary, the available evidence is currently insufficient to determine the role of this variant in disease. Therefore, it has been classified as a Variant of Uncertain Significance.

Literature cited by the submitters: PubMed 25589632; PubMed 23975875.